The following is an entry in ClinVar:

NM_033109.5(PNPT1):c.2149-5del

Gene: PNPT1 (polyribonucleotide nucleotidyltransferase 1; minus strand). Cytogenetic location: 2p16.1.
Variant type: Deletion.
Coding change: c.2149-5del on transcript NM_033109.5 (MANE Select); 5 bases into the intron before coding-DNA position 2149, one base deleted (T; older notation c.2149-5delT).
Molecular consequence: intron variant.
Genome position (GRCh38, 1-based): chr2:55,637,604, A deleted on the plus strand (T on the coding strand, the reverse complement: PNPT1 is on the minus strand); the first of 9 consecutive A bases (chr2:55,637,604-55,637,612); deleting any one gives the same sequence. VCF-style (leftmost placement, unchanged base first): chr2-55637603-GA-G. GRCh37 (hg19) VCF-style: chr2-55864738-GA-G.
Other names: NC_000002.11:g.55864747del; c.2149-13del (NM_033109.5).
Identifiers: ClinVar variation 1620564 (VCV001620564.15), dbSNP rs532500568, ClinGen allele CA1667769.

ClinVar aggregate classification (germline): Benign/Likely benign. Review status: criteria provided, multiple submitters, no conflicts (2 of 4 stars). 2 submissions from 2 submitters: Benign (1); Likely benign (1). Last evaluated 2025-10-01.

Submissions (5):

CeGaT Center for Human Genetics Tuebingen
Classification: Likely benign. Last evaluated: 2025-10-01. Review status: criteria provided, single submitter. Criteria: CeGaT Center For Human Genetics Tuebingen Variant Classification Criteria Version 2. Collection method: clinical testing. Allele origin: germline. Affected: yes. Observed: 1 variant allele.
Comment: PNPT1: BP4

Labcorp Genetics (formerly Invitae), Labcorp
Classification: Benign. Last evaluated: 2025-07-09. Review status: criteria provided, single submitter. Criteria: Invitae Variant Classification Sherloc (09022015). Collection method: clinical testing. Allele origin: germline.

Dr. Peter K. Rogan Lab, Western University
No classification provided (evidence only). Condition: Familial cancer of breast. Review status: no classification provided. Collection method: in vitro. Allele origin: not applicable. Functional consequence: retained intron. Not counted in ClinVar's aggregate classification.

Dr. Peter K. Rogan Lab, Western University
No classification provided (evidence only). Condition: Colon adenocarcinoma. Review status: no classification provided. Collection method: in vitro. Allele origin: not applicable. Functional consequence: retained intron. Not counted in ClinVar's aggregate classification.

Dr. Peter K. Rogan Lab, Western University
No classification provided (evidence only). Condition: Uterine corpus endometrial carcinoma. Review status: no classification provided. Collection method: in vitro. Allele origin: not applicable. Functional consequence: retained intron. Not counted in ClinVar's aggregate classification.